The following is an entry in ClinVar:

NM_018975.4(TERF2IP):c.610C>G (p.Pro204Ala)

Gene: TERF2IP (TERF2 interacting protein; plus strand). Cytogenetic location: 16q23.1.
Variant type: single nucleotide variant.
Coding change: c.610C>G on transcript NM_018975.4 (MANE Select); coding-DNA position 610, C replaced by G.
Protein change: p.Pro204Ala; replaces proline 204 with alanine.
Molecular consequence: missense variant. On other transcripts: non-coding transcript variant (1).
Genome position (GRCh38, 1-based): chr16:75,648,492, C>G. VCF-style: chr16-75648492-C-G. GRCh37 (hg19) VCF-style: chr16-75682390-C-G.
Other names: short protein forms P204A.
Identifiers: ClinVar variation 1751664 (VCV001751664.2), dbSNP rs2082320559, ClinGen allele CA396818278.

ClinVar aggregate classification (germline): Uncertain significance (1 of 4 stars; one submission).

Allele frequency attached by ClinVar (database versions not stated): TOPMed 0.00001.
gnomAD v4.1: 1 of 1,588,672 alleles (0.000063%); no homozygotes.

Submission:

Ambry Genetics
Classification: Uncertain significance. Last evaluated: 2023-10-08. Review status: criteria provided, single submitter. Criteria: Ambry Variant Classification Scheme 2023. Collection method: clinical testing. Allele origin: germline.
Comment: The p.P204A variant (also known as c.610C>G), located in coding exon 1 of the TERF2IP gene, results from a C to G substitution at nucleotide position 610. The proline at codon 204 is replaced by alanine, an amino acid with highly similar properties. This amino acid position is conserved. In addition, this alteration is predicted to be tolerated by in silico analysis. Since supporting evidence is limited at this time, the clinical significance of this alteration remains unclear.